The following is an entry in ClinVar:

NM_001277115.2(DNAH11):c.5033G>A (p.Gly1678Glu)

Gene: DNAH11 (dynein axonemal heavy chain 11; plus strand). Cytogenetic location: 7p15.3.
Variant type: single nucleotide variant.
Coding change: c.5033G>A on transcript NM_001277115.2 (MANE Select); coding-DNA position 5033, G replaced by A.
Protein change: p.Gly1678Glu; replaces glycine 1678 with glutamic acid.
Molecular consequence: missense variant.
Genome position (GRCh38, 1-based): chr7:21,655,920, G>A. VCF-style: chr7-21655920-G-A. GRCh37 (hg19) VCF-style: chr7-21695538-G-A.
Other names: short protein forms G1678E.
Identifiers: ClinVar variation 4819024 (VCV004819024.2).

ClinVar aggregate classification (germline): Uncertain significance (1 of 4 stars; one submission).

Conditions:
Primary ciliary dyskinesia 7. Also called: CILIARY DYSKINESIA, PRIMARY, 7, WITH OR WITHOUT SITUS INVERSUS. Identifiers: Orphanet 244, MedGen C2678473, MONDO:0012748, OMIM 611884.

Submission:

Victorian Clinical Genetics Services, Murdoch Childrens Research Institute
Classification: Uncertain significance for Primary ciliary dyskinesia 7. Last evaluated: 2026-03-17. Review status: criteria provided, single submitter. Criteria: ACMG Guidelines, 2015. Collection method: clinical testing. Allele origin: germline. Affected: yes.
Comment: This variant is classified as VUS-3A. Evidence in support of pathogenic classification: Variant is absent from gnomAD (v2, v3 and v4). Additional information: Variant is predicted to result in a missense amino acid change from Gly to Glu; This variant is homozygous; This gene is associated with autosomal recessive disease; Alternative amino acid change(s) at the same position are present in gnomAD (highest allele count: v4: 6 heterozygote(s), 0 homozygote(s)); This variant has no previous evidence of pathogenicity; No published evidence of segregation with disease has been identified for this variant; No published functional evidence has been identified for this variant; No comparable missense variants have previous evidence for pathogenicity; Variant is located in the annotated dynein heavy chain, N-terminal region 2 domain (DECIPHER); Missense variant with inconclusive in silico prediction and/or uninformative conservation; Loss of function is a known mechanism of disease in this gene and is associated with primary ciliary dyskinesia 7, with or without situs inversus (MIM#611884); This variant has been shown to be both maternally and paternally inherited (biallelic).